The following is an entry in ClinVar:

ClinVar aggregate classification (germline): Uncertain significance (1 of 4 stars; one submission).

Submission:

GeneDx
Classification: Uncertain significance. Last evaluated: 2023-04-13. Review status: criteria provided, single submitter. Criteria: GeneDx Variant Classification Process June 2021. Collection method: clinical testing. Allele origin: germline. Affected: yes.
Comment: Not observed at significant frequency in large population cohorts (gnomAD); In silico analysis supports that this missense variant has a deleterious effect on protein structure/function; In silico analysis supports that this missense variant has a deleterious effect on splicing; Has not been previously published as pathogenic or benign to our knowledge

NM_005559.4(LAMA1):c.1835T>G (p.Ile612Ser)

Gene: LAMA1 (laminin subunit alpha 1; minus strand). Cytogenetic location: 18p11.31.
Variant type: single nucleotide variant.
Coding change: c.1835T>G on transcript NM_005559.4 (MANE Select); coding-DNA position 1835, T replaced by G.
Protein change: p.Ile612Ser; replaces isoleucine 612 with serine.
Molecular consequence: missense variant.
Genome position (GRCh38, 1-based): chr18:7,035,991, A>C on the plus strand (T>G on the coding strand, the complement: LAMA1 is on the minus strand). VCF-style: chr18-7035991-A-C. GRCh37 (hg19) VCF-style: chr18-7035990-A-C.
Other names: short protein forms I612S.
Identifiers: ClinVar variation 3343115 (VCV003343115.1).